The following is an entry in ClinVar:

ClinVar aggregate classification (germline): Uncertain significance (1 of 4 stars; one submission).

Conditions:
Hereditary motor and sensory neuropathy, Okinawa type (HMSNO). Also called: HEREDITARY MOTOR AND SENSORY NEUROPATHY, PROXIMAL TYPE. Identifiers: Orphanet 90117, MedGen C1858338, MONDO:0011468, OMIM 604484.
Hereditary spastic paraplegia 57. Also called: Spastic paraplegia 57, autosomal recessive. Identifiers: Orphanet 431329, MedGen C3714897, MONDO:0014295, OMIM 615658.

Submission:

Labcorp Genetics (formerly Invitae), Labcorp
Classification: Uncertain significance for Hereditary motor and sensory neuropathy, Okinawa type; Hereditary spastic paraplegia 57. Last evaluated: 2023-07-28. Review status: criteria provided, single submitter. Criteria: Invitae Variant Classification Sherloc (09022015). Collection method: clinical testing. Allele origin: germline.
Comment: This variant is not present in population databases (gnomAD no frequency). In summary, the available evidence is currently insufficient to determine the role of this variant in disease. Therefore, it has been classified as a Variant of Uncertain Significance. Advanced modeling of protein sequence and biophysical properties (such as structural, functional, and spatial information, amino acid conservation, physicochemical variation, residue mobility, and thermodynamic stability) performed at Invitae indicates that this missense variant is expected to disrupt TFG protein function. This variant has not been reported in the literature in individuals affected with TFG-related conditions. This sequence change replaces histidine, which is basic and polar, with arginine, which is basic and polar, at codon 27 of the TFG protein (p.His27Arg).

NM_006070.6(TFG):c.80A>G (p.His27Arg)

Gene: TFG (trafficking from ER to golgi regulator; plus strand). Cytogenetic location: 3q12.2.
Variant type: single nucleotide variant.
Coding change: c.80A>G on transcript NM_006070.6 (MANE Select); coding-DNA position 80, A replaced by G.
Protein change: p.His27Arg; replaces histidine 27 with arginine.
Molecular consequence: missense variant.
Genome position (GRCh38, 1-based): chr3:100,713,765, A>G. VCF-style: chr3-100713765-A-G. GRCh37 (hg19) VCF-style: chr3-100432609-A-G.
Other names: c.80A>G, p.His27Arg (NM_001007565.2, NM_001195478.2, NM_001195479.2); short protein forms H27R.
Identifiers: ClinVar variation 2950416 (VCV002950416.3), dbSNP rs2472056888, ClinGen allele CA353836896.